The following is an entry in ClinVar:

ClinVar aggregate classification (germline): Uncertain significance (1 of 4 stars; one submission).

Conditions:
Diffuse cerebral and cerebellar atrophy - intractable seizures - progressive microcephaly syndrome. Also called: Microcephaly, progressive, with seizures and cerebral and cerebellar atrophy. Identifiers: Orphanet 404437, MedGen C4014239, MONDO:0014335, OMIM 615760.

Allele frequency attached by ClinVar (database versions not stated): ExAC 0.00001; gnomAD 0.00001; gnomAD exomes 0.00001; TOPMed 0.00001; 1000 Genomes Project 30x 0.00016; 1000 Genomes Project 0.00020.
gnomAD v4.1: 12 of 1,613,754 alleles (0.00074%); highest among the groups gnomAD compares: Non-Finnish European, 0.001%; no homozygotes.

Submission:

Labcorp Genetics (formerly Invitae), Labcorp
Classification: Uncertain significance for Diffuse cerebral and cerebellar atrophy - intractable seizures - progressive microcephaly syndrome. Last evaluated: 2022-08-16. Review status: criteria provided, single submitter. Criteria: Invitae Variant Classification Sherloc (09022015). Collection method: clinical testing. Allele origin: germline.
Comment: In summary, the available evidence is currently insufficient to determine the role of this variant in disease. Therefore, it has been classified as a Variant of Uncertain Significance. Algorithms developed to predict the effect of missense changes on protein structure and function (SIFT, PolyPhen-2, Align-GVGD) all suggest that this variant is likely to be tolerated. ClinVar contains an entry for this variant (Variation ID: 1368472). This variant has not been reported in the literature in individuals affected with QARS-related conditions. This variant is present in population databases (rs201997520, gnomAD 0.0009%). This sequence change replaces glutamic acid, which is acidic and polar, with glutamine, which is neutral and polar, at codon 92 of the QARS protein (p.Glu92Gln).

NM_005051.3(QARS1):c.274G>C (p.Glu92Gln)

Gene: QARS1 (glutaminyl-tRNA synthetase 1; minus strand). Cytogenetic location: 3p21.31.
Variant type: single nucleotide variant.
Coding change: c.274G>C on transcript NM_005051.3 (MANE Select); coding-DNA position 274, G replaced by C.
Protein change: p.Glu92Gln; replaces glutamic acid 92 with glutamine.
Molecular consequence: missense variant. On other transcripts: non-coding transcript variant (1).
Genome position (GRCh38, 1-based): chr3:49,103,964, C>G on the plus strand (G>C on the coding strand, the complement: QARS1 is on the minus strand). VCF-style: chr3-49103964-C-G. GRCh37 (hg19) VCF-style: chr3-49141397-C-G.
Other names: c.241G>C, p.Glu81Gln (NM_001272073.2); short protein forms E81Q, E92Q.
Identifiers: ClinVar variation 1368472 (VCV001368472.6), dbSNP rs201997520, ClinGen allele CA2392225.